The following is an entry in ClinVar:

ClinVar aggregate classification (germline): Uncertain significance (1 of 4 stars; one submission).

Conditions:
Immunodeficiency, common variable, 4. Also called: ANTIBODY DEFICIENCY DUE TO BAFFR DEFECT. Identifiers: Orphanet 1572, Orphanet 696925, MedGen C3150739, MONDO:0013284, OMIM 613494.

gnomAD v4.1: 13 of 1,612,628 alleles (0.00081%); highest among the groups gnomAD compares: African/African-American, 0.0013%; no homozygotes.

Submission:

Labcorp Genetics (formerly Invitae), Labcorp
Classification: Uncertain significance for Immunodeficiency, common variable, 4. Last evaluated: 2024-08-08. Review status: criteria provided, single submitter. Criteria: Invitae Variant Classification Sherloc (09022015). Collection method: clinical testing. Allele origin: germline.
Comment: This sequence change replaces proline, which is neutral and non-polar, with serine, which is neutral and polar, at codon 126 of the TNFRSF13C protein (p.Pro126Ser). This variant is not present in population databases (gnomAD no frequency). This variant has not been reported in the literature in individuals affected with TNFRSF13C-related conditions. An algorithm developed to predict the effect of missense changes on protein structure and function outputs the following: PolyPhen-2: "Benign". The serine amino acid residue is found in multiple mammalian species, which suggests that this missense change does not adversely affect protein function. In summary, the available evidence is currently insufficient to determine the role of this variant in disease. Therefore, it has been classified as a Variant of Uncertain Significance.

NM_052945.4(TNFRSF13C):c.376C>T (p.Pro126Ser)

Gene: TNFRSF13C (TNF receptor superfamily member 13C; minus strand). Cytogenetic location: 22q13.2.
Variant type: single nucleotide variant.
Coding change: c.376C>T on transcript NM_052945.4 (MANE Select); coding-DNA position 376, C replaced by T.
Protein change: p.Pro126Ser; replaces proline 126 with serine.
Molecular consequence: missense variant.
Genome position (GRCh38, 1-based): chr22:41,925,546, G>A on the plus strand (C>T on the coding strand, the complement: TNFRSF13C is on the minus strand). VCF-style: chr22-41925546-G-A. GRCh37 (hg19) VCF-style: chr22-42321550-G-A.
Other names: short protein forms P126S.
Identifiers: ClinVar variation 3675300 (VCV003675300.2).